The following is an entry in ClinVar:

ClinVar aggregate classification (germline): Uncertain significance (1 of 4 stars; one submission).

Conditions:
Hereditary cancer-predisposing syndrome. Also called: Hereditary neoplastic syndrome; Neoplastic Syndromes, Hereditary; Tumor predisposition; Hereditary Cancer Syndrome. Identifiers: Orphanet 140162, MedGen C0027672, MeSH D009386, MONDO:0015356.

Submission:

Ambry Genetics
Classification: Uncertain significance for Hereditary cancer-predisposing syndrome. Last evaluated: 2025-08-27. Review status: criteria provided, single submitter. Criteria: Ambry Variant Classification Scheme 2023. Collection method: clinical testing. Allele origin: germline.
Comment: The p.T158S variant (also known as c.472A>T), located in coding exon 6 of the MUTYH gene, results from an A to T substitution at nucleotide position 472. The threonine at codon 158 is replaced by serine, an amino acid with similar properties. This amino acid position is conserved. In addition, the in silico prediction for this alteration is inconclusive. Based on the available evidence, the clinical significance of this variant remains unclear.

NM_001048174.2(MUTYH):c.388A>T (p.Thr130Ser)

Gene: MUTYH (mutY DNA glycosylase; minus strand). Cytogenetic location: 1p34.1.
Variant type: single nucleotide variant.
Coding change: c.388A>T on transcript NM_001048174.2 (MANE Select); coding-DNA position 388, A replaced by T.
Protein change: p.Thr130Ser; replaces threonine 130 with serine.
Molecular consequence: missense variant. On other transcripts: non-coding transcript variant (6), intron variant (4).
Genome position (GRCh38, 1-based): chr1:45,332,950, T>A on the plus strand (A>T on the coding strand, the complement: MUTYH is on the minus strand). VCF-style: chr1-45332950-T-A. GRCh37 (hg19) VCF-style: chr1-45798622-T-A.
Other names: c.388A>T, p.Thr130Ser (NM_001048171.2, NM_001048173.2, NM_001293195.2 and 5 more transcripts); c.391A>T, p.Thr131Ser (NM_001048172.2, NM_001407071.1, NM_001407078.1 and 1 more transcripts); c.472A>T, p.Thr158Ser (NM_001128425.2); c.433A>T, p.Thr145Ser (NM_001293190.2); c.421A>T, p.Thr141Ser (NM_001293191.2, NM_001407077.1); c.112A>T, p.Thr38Ser (NM_001293192.2, NM_001293196.2, NM_001407091.1); c.43A>T, p.Thr15Ser (NM_001350650.2, NM_001350651.2, NM_001407082.1); c.304A>T, p.Thr102Ser (NM_001407075.1); and 7 more; short protein forms T131S, T15S, T38S, T137S, T145S, T158S, T141S, T102S.
Identifiers: ClinVar variation 4113676 (VCV004113676.1).